The following is an entry in ClinVar:

ClinVar aggregate classification (germline): Pathogenic/Likely pathogenic. Review status: criteria provided, multiple submitters, no conflicts (2 of 4 stars). 2 submissions from 2 submitters: Pathogenic (1); Likely pathogenic (1). Last evaluated 2024-06-07.

Conditions:
Mucopolysaccharidosis, MPS-II (MPS2). Also called: Attenuated MPS (subtype; formerly known as mild MPS II); Severe MPS II; I2S deficiency; MPS 2; Mucopolysaccharidosis type 2; Hunter Syndrome. Identifiers: Orphanet 580, Orphanet 79388, MedGen C0026705, MONDO:0010674, OMIM 309900.

Submissions (2):

Laboratory of Diagnosis and Therapy of Lysosomal Disorders, University of Padova
Classification: Likely pathogenic for Mucopolysaccharidosis, MPS-II. Last evaluated: 2024-06-07. Review status: criteria provided, single submitter. Criteria: ACMG Guidelines, 2015. Collection method: literature only. Allele origin: germline. Affected: yes. Observed: 3 variant alleles.
Comment: Located in a mutational hot spot and/or critical functional domain (PM1_Moderate), Absent from controls (or at low frequency) in gnomAD database (PM2_Moderate), Missense change at the same amino acid residue as a pathogenic variant (PM5_Moderate), Missense variant in a gene with a low rate of benign missense variation (PP2_Supporting), Multiple lines of computational evidence support a deleterious effect (PP3_Supporting), Patient’s phenotype or family history highly specific for the disease (PP4_Moderate)

Classification method: ACMG Guidelines [PMID:25741868] with modifications

Eurofins Ntd Llc (ga)
Classification: Pathogenic. Last evaluated: 2017-11-01. Review status: criteria provided, single submitter. Criteria: EGL Classification Definitions 2015. Collection method: clinical testing. Allele origin: germline. Observed: 2 variant alleles, 1 heterozygote, 1 homozygote.

Literature cited by the submitters: PubMed 28077157 (cited by Laboratory of Diagnosis and Therapy of Lysosomal Disorders, University of Padova).

NM_000202.8(IDS):c.1265G>T (p.Cys422Phe)

Gene: IDS (iduronate 2-sulfatase; minus strand). Cytogenetic location: Xq28.
Variant type: single nucleotide variant.
Coding change: c.1265G>T on transcript NM_000202.8 (MANE Select); coding-DNA position 1265, G replaced by T.
Protein change: p.Cys422Phe; replaces cysteine 422 with phenylalanine.
Molecular consequence: missense variant.
Genome position (GRCh38, 1-based): chrX:149,483,134, C>A on the plus strand (G>T on the coding strand, the complement: IDS is on the minus strand). VCF-style: chrX-149483134-C-A. GRCh37 (hg19) VCF-style: chrX-148564665-C-A.
Other names: c.995G>T, p.Cys332Phe (NM_001166550.4); short protein forms C422F, C332F.
Identifiers: ClinVar variation 592185 (VCV000592185.6), dbSNP rs886044835, ClinGen allele CA414518466.
Genomic context (GRCh38, chrX:149,483,134, plus strand): 5'-AAATGCTTCAGAAGGTTCTTGCCTTCTCTGCACAGCTCAACGTGAAATGAAGGAACGGGG[C>A]AGCGAGGTGGAACCTGCAGTCCTGCAAGTCCAGCCAGCGTGGGAAAAAGAGACACAAGTT-3'
Protein context (NP_000193.1, residues 412-432): GLAGLQVPPR[Cys422Phe]PVPSFHVELC